The following is an entry in ClinVar:

ClinVar aggregate classification (germline): Uncertain significance (1 of 4 stars; one submission).

Conditions:
Hereditary cancer-predisposing syndrome. Also called: Neoplastic Syndromes, Hereditary; Tumor predisposition; Hereditary neoplastic syndrome; Hereditary Cancer Syndrome. Identifiers: Orphanet 140162, MedGen C0027672, MeSH D009386, MONDO:0015356.

Submission:

Ambry Genetics
Classification: Uncertain significance for Hereditary cancer-predisposing syndrome. Last evaluated: 2026-07-06. Review status: criteria provided, single submitter. Criteria: Ambry Variant Classification Scheme 2023. Collection method: clinical testing. Allele origin: germline.
Comment: The p.V61G variant (also known as c.182T>G), located in coding exon 2 of the BARD1 gene, results from a T to G substitution at nucleotide position 182. The valine at codon 61 is replaced by glycine, an amino acid with dissimilar properties. This amino acid position is conserved. In addition, this alteration is predicted to be deleterious by in silico analysis. Based on the available evidence, the clinical significance of this variant remains unclear.

NM_000465.4(BARD1):c.182T>G (p.Val61Gly)

Gene: BARD1 (BRCA1 associated RING domain 1; minus strand). Cytogenetic location: 2q35.
Variant type: single nucleotide variant.
Coding change: c.182T>G on transcript NM_000465.4 (MANE Select); coding-DNA position 182, T replaced by G.
Protein change: p.Val61Gly; replaces valine 61 with glycine.
Molecular consequence: missense variant. On other transcripts: non-coding transcript variant (2), intron variant (2).
Genome position (GRCh38, 1-based): chr2:214,797,094, A>C on the plus strand (T>G on the coding strand, the complement: BARD1 is on the minus strand). VCF-style: chr2-214797094-A-C. GRCh37 (hg19) VCF-style: chr2-215661818-A-C.
Other names: c.182T>G, p.Val61Gly (NM_001282545.2, NM_001282549.2); c.158+12318T>G (NM_001282548.2); c.159-4649T>G (NM_001282543.2); short protein forms V61G.
Identifiers: ClinVar variation 5032786 (VCV005032786.1).